The following is an entry in ClinVar:

NM_000350.3(ABCA4):c.257C>T (p.Thr86Ile)

Gene: ABCA4 (ATP binding cassette subfamily A member 4; minus strand). Cytogenetic location: 1p22.1.
Variant type: single nucleotide variant.
Coding change: c.257C>T on transcript NM_000350.3 (MANE Select); coding-DNA position 257, C replaced by T.
Protein change: p.Thr86Ile; replaces threonine 86 with isoleucine.
Molecular consequence: missense variant.
Genome position (GRCh38, 1-based): chr1:94,111,483, G>A on the plus strand (C>T on the coding strand, the complement: ABCA4 is on the minus strand). VCF-style: chr1-94111483-G-A. GRCh37 (hg19) VCF-style: chr1-94577039-G-A.
Other names: c.257C>T, p.Thr86Ile (NM_001425324.1); short protein forms T86I.
Identifiers: ClinVar variation 1900176 (VCV001900176.2), dbSNP rs1463176839, ClinGen allele CA341285435.

ClinVar aggregate classification (germline): Uncertain significance (1 of 4 stars; one submission).

gnomAD v4.1: 1 of 1,614,148 alleles (0.000062%); highest among the groups gnomAD compares: East Asian, 0.0022%; no homozygotes.

Submission:

Labcorp Genetics (formerly Invitae), Labcorp
Classification: Uncertain significance. Last evaluated: 2022-08-09. Review status: criteria provided, single submitter. Criteria: Invitae Variant Classification Sherloc (09022015). Collection method: clinical testing. Allele origin: germline.
Comment: This sequence change replaces threonine, which is neutral and polar, with isoleucine, which is neutral and non-polar, at codon 86 of the ABCA4 protein (p.Thr86Ile). This variant is present in population databases (no rsID available, gnomAD 0.006%). This variant has not been reported in the literature in individuals affected with ABCA4-related conditions. Advanced modeling of protein sequence and biophysical properties (such as structural, functional, and spatial information, amino acid conservation, physicochemical variation, residue mobility, and thermodynamic stability) performed at Invitae indicates that this missense variant is expected to disrupt ABCA4 protein function. In summary, the available evidence is currently insufficient to determine the role of this variant in disease. Therefore, it has been classified as a Variant of Uncertain Significance.